The following is an entry in ClinVar:

NM_014994.3(MAPKBP1):c.2479C>T (p.Arg827Trp)

Gene: MAPKBP1 (mitogen-activated protein kinase binding protein 1; plus strand). Cytogenetic location: 15q15.1.
Variant type: single nucleotide variant.
Coding change: c.2479C>T on transcript NM_014994.3 (MANE Select); coding-DNA position 2479, C replaced by T.
Protein change: p.Arg827Trp; replaces arginine 827 with tryptophan.
Molecular consequence: missense variant. On other transcripts: non-coding transcript variant (2).
Genome position (GRCh38, 1-based): chr15:41,819,648, C>T. VCF-style: chr15-41819648-C-T. GRCh37 (hg19) VCF-style: chr15-42111846-C-T.
Other names: c.2497C>T, p.Arg833Trp (NM_001128608.2); c.2479C>T, p.Arg827Trp (NM_001265611.2); short protein forms R827W, R833W.
Identifiers: ClinVar variation 771004 (VCV000771004.12), dbSNP rs144329674, ClinGen allele CA7498274.
Genomic context (GRCh38, chr15:41,819,648, plus strand): 5'-TGTCTAGCCTCGGTCCCCAGCCCAGCTTTGCCCCGAAGCCTGTCCCACTGGGAGATGAGT[C>T]GGGTGAGTCGCCATTGTTAAAATGTTCTTCCAAGGTTAGAGGAGGCAAAGGGAGCTGTGA-3'
Protein context (NP_055809.2, residues 817-837): PRSLSHWEMS[Arg827Trp]AQESVGFLDP

ClinVar aggregate classification (germline): Benign. Review status: criteria provided, single submitter (1 of 4 stars). 2 submissions from 2 submitters: Benign (1). 1 of the submissions does not count toward it. Last evaluated 2025-11-12.

Conditions:
MAPKBP1-related disorder. Also called: MAPKBP1-related condition.

Allele frequency attached by ClinVar (database versions not stated): gnomAD 0.00113 and 0.00119; gnomAD exomes 0.00114; TOPMed 0.00119; ExAC 0.00126; ESP Exome Variant Server 0.00169.
gnomAD v4.1: 3,539 of 1,608,964 alleles (0.22%); highest among the groups gnomAD compares: Non-Finnish European, 0.28%; 9 homozygotes.

Submissions (5):

Labcorp Genetics (formerly Invitae), Labcorp
Classification: Benign. Last evaluated: 2025-11-12. Review status: criteria provided, single submitter. Criteria: Invitae Variant Classification Sherloc (09022015). Collection method: clinical testing. Allele origin: germline.

PreventionGenetics, part of Exact Sciences
Classification: Likely benign for MAPKBP1-related condition. Last evaluated: 2022-06-03. Review status: no assertion criteria provided. Collection method: clinical testing. Allele origin: germline. Not counted in ClinVar's aggregate classification.
Comment: This variant is classified as likely benign based on ACMG/AMP sequence variant interpretation guidelines (Richards et al. 2015 PMID: 25741868, with internal and published modifications).

Dr. Peter K. Rogan Lab, Western University
No classification provided (evidence only). Condition: Clear cell carcinoma of kidney. Review status: no classification provided. Collection method: in vitro. Allele origin: not applicable. Functional consequence: retained intron. Not counted in ClinVar's aggregate classification.

Dr. Peter K. Rogan Lab, Western University
No classification provided (evidence only). Condition: Melanoma. Review status: no classification provided. Collection method: in vitro. Allele origin: not applicable. Functional consequence: retained intron. Not counted in ClinVar's aggregate classification.

Dr. Peter K. Rogan Lab, Western University
No classification provided (evidence only). Condition: Familial cancer of breast. Review status: no classification provided. Collection method: in vitro. Allele origin: not applicable. Functional consequence: retained intron. Not counted in ClinVar's aggregate classification.